The following is an entry in ClinVar:

NM_004525.3(LRP2):c.4922T>G (p.Ile1641Ser)

Gene: LRP2 (LDL receptor related protein 2; minus strand). Cytogenetic location: 2q31.1.
Variant type: single nucleotide variant.
Coding change: c.4922T>G on transcript NM_004525.3 (MANE Select); coding-DNA position 4922, T replaced by G.
Protein change: p.Ile1641Ser; replaces isoleucine 1641 with serine.
Molecular consequence: missense variant.
Genome position (GRCh38, 1-based): chr2:169,233,587, A>C on the plus strand (T>G on the coding strand, the complement: LRP2 is on the minus strand). VCF-style: chr2-169233587-A-C. GRCh37 (hg19) VCF-style: chr2-170090097-A-C.
Other names: short protein forms I1641S.
Identifiers: ClinVar variation 1348180 (VCV001348180.8), dbSNP rs1035756737, ClinGen allele CA349141587.

ClinVar aggregate classification (germline): Uncertain significance (1 of 4 stars; one submission).

Submission:

Labcorp Genetics (formerly Invitae), Labcorp
Classification: Uncertain significance. Last evaluated: 2021-04-23. Review status: criteria provided, single submitter. Criteria: Invitae Variant Classification Sherloc (09022015). Collection method: clinical testing. Allele origin: germline.
Comment: In summary, the available evidence is currently insufficient to determine the role of this variant in disease. Therefore, it has been classified as a Variant of Uncertain Significance. Algorithms developed to predict the effect of missense changes on protein structure and function are either unavailable or do not agree on the potential impact of this missense change (SIFT: "Deleterious"; PolyPhen-2: "Benign"; Align-GVGD: "Class C0"). This variant has not been reported in the literature in individuals with LRP2-related conditions. This variant is not present in population databases (ExAC no frequency). This sequence change replaces isoleucine with serine at codon 1641 of the LRP2 protein (p.Ile1641Ser). The isoleucine residue is weakly conserved and there is a large physicochemical difference between isoleucine and serine.